The following is an entry in ClinVar:

NM_001042492.3(NF1):c.1261-2A>T

Gene: NF1 (neurofibromin 1; plus strand). Cytogenetic location: 17q11.2.
Variant type: single nucleotide variant.
Coding change: c.1261-2A>T on transcript NM_001042492.3 (MANE Select); the canonical splice acceptor site of the intron before coding-DNA position 1261, A replaced by T.
Molecular consequence: splice acceptor variant.
Genome position (GRCh38, 1-based): chr17:31,206,238, A>T. VCF-style: chr17-31206238-A-T. GRCh37 (hg19) VCF-style: chr17-29533256-A-T.
Other names: c.1261-2A>T (NM_000267.4, NM_001128147.3).
Identifiers: ClinVar variation 835846 (VCV000835846.1), dbSNP rs2066618684, ClinGen allele CA398999043.

ClinVar aggregate classification (germline): Pathogenic (1 of 4 stars; one submission).

Conditions:
Neurofibromatosis, type 1 (NF1). Also called: Peripheral type neurofibromatosis; Neurofibromatosis, type I; VON RECKLINGHAUSEN DISEASE; NEUROFIBROMATOSIS, TYPE I, SOMATIC. Identifiers: Orphanet 636, MedGen C0027831, MONDO:0018975, OMIM 162200. Disease mechanism: loss of function.

Submission:

Labcorp Genetics (formerly Invitae), Labcorp
Classification: Pathogenic for Neurofibromatosis, type 1. Last evaluated: 2019-05-21. Review status: criteria provided, single submitter. Criteria: Invitae Variant Classification Sherloc (09022015). Collection method: clinical testing. Allele origin: germline.
Comment: This sequence change affects an acceptor splice site in intron 11 of the NF1 gene. It is expected to disrupt RNA splicing and likely results in an absent or disrupted protein product. This variant is not present in population databases (ExAC no frequency). Disruption of this splice site has been observed in individuals affected with neurofibromatosis type 1 (PMID: 24232412, 18041031). Donor and acceptor splice site variants typically lead to a loss of protein function (PMID: 16199547), and loss-of-function variants in NF1 are known to be pathogenic (PMID: 10712197, 23913538). For these reasons, this variant has been classified as Pathogenic.

Literature cited by the submitters: PubMed 24232412; PubMed 23913538; PubMed 10712197; PubMed 18041031.